The following is an entry in ClinVar:

NM_001374353.1(GLI2):c.4157T>C (p.Met1386Thr)

Gene: GLI2 (GLI family zinc finger 2; plus strand). Cytogenetic location: 2q14.2.
Variant type: single nucleotide variant.
Coding change: c.4157T>C on transcript NM_001374353.1 (MANE Select); coding-DNA position 4157, T replaced by C.
Protein change: p.Met1386Thr; replaces methionine 1386 with threonine.
Molecular consequence: missense variant.
Genome position (GRCh38, 1-based): chr2:120,990,122, T>C. VCF-style: chr2-120990122-T-C. GRCh37 (hg19) VCF-style: chr2-121747698-T-C.
Other names: c.4208T>C, p.Met1403Thr (NM_001371271.1, NM_005270.5); c.3782T>C, p.Met1261Thr (NM_001374354.1); short protein forms M1403T, M1386T, M1261T.
Identifiers: ClinVar variation 2938940 (VCV002938940.3), dbSNP rs2467784045, ClinGen allele CA348178673.

ClinVar aggregate classification (germline): Uncertain significance (1 of 4 stars; one submission).

Conditions:
Postaxial polydactyly-anterior pituitary anomalies-facial dysmorphism syndrome. Also called: Culler-Jones syndrome. Identifiers: Orphanet 420584, MedGen C4014479, MONDO:0014369, OMIM 615849.
Holoprosencephaly 9 (HPE9). Also called: PITUITARY ANOMALIES WITH HOLOPROSENCEPHALY-LIKE FEATURES; HOLOPROSENCEPHALY WITH MICROPHTHALMIA AND FIRST BRANCHIAL ARCH ANOMALIES. Identifiers: Orphanet 2162, MedGen C1835819, MONDO:0012563, OMIM 610829.

Submission:

Labcorp Genetics (formerly Invitae), Labcorp
Classification: Uncertain significance for Postaxial polydactyly-anterior pituitary anomalies-facial dysmorphism syndrome; Holoprosencephaly 9. Last evaluated: 2024-02-14. Review status: criteria provided, single submitter. Criteria: Invitae Variant Classification Sherloc (09022015). Collection method: clinical testing. Allele origin: germline.
Comment: This sequence change replaces methionine, which is neutral and non-polar, with threonine, which is neutral and polar, at codon 1403 of the GLI2 protein (p.Met1403Thr). This variant is not present in population databases (gnomAD no frequency). This variant has not been reported in the literature in individuals affected with GLI2-related conditions. Advanced modeling of protein sequence and biophysical properties (such as structural, functional, and spatial information, amino acid conservation, physicochemical variation, residue mobility, and thermodynamic stability) performed at Invitae indicates that this missense variant is not expected to disrupt GLI2 protein function with a negative predictive value of 80%. In summary, the available evidence is currently insufficient to determine the role of this variant in disease. Therefore, it has been classified as a Variant of Uncertain Significance.